The following is an entry in ClinVar:

ClinVar aggregate classification (germline): Uncertain significance. Review status: criteria provided, multiple submitters, no conflicts (2 of 4 stars). 2 submissions from 2 submitters: Uncertain significance (2). Last evaluated 2024-11-15.

Conditions:
Inborn genetic diseases. Identifiers: MedGen C0950123, MeSH D030342.

Allele frequency attached by ClinVar (database versions not stated): gnomAD 0.00003; TOPMed 0.00005.
gnomAD v4.1: 19 of 1,613,010 alleles (0.0012%); highest among the groups gnomAD compares: African/African-American, 0.008%; no homozygotes.

Submissions (2):

Ambry Genetics
Classification: Uncertain significance for Inborn genetic diseases. Last evaluated: 2024-11-15. Review status: criteria provided, single submitter. Criteria: Ambry Variant Classification Scheme 2023. Collection method: clinical testing. Allele origin: germline.

Labcorp Genetics (formerly Invitae), Labcorp
Classification: Uncertain significance. Last evaluated: 2022-08-15. Review status: criteria provided, single submitter. Criteria: Invitae Variant Classification Sherloc (09022015). Collection method: clinical testing. Allele origin: germline.
Comment: This sequence change replaces glycine, which is neutral and non-polar, with serine, which is neutral and polar, at codon 204 of the ASPM protein (p.Gly204Ser). This variant is present in population databases (rs752109968, gnomAD 0.01%). This variant has not been reported in the literature in individuals affected with ASPM-related conditions. Algorithms developed to predict the effect of missense changes on protein structure and function output the following: SIFT: "Tolerated"; PolyPhen-2: "Benign"; Align-GVGD: "Class C0". The serine amino acid residue is found in multiple mammalian species, which suggests that this missense change does not adversely affect protein function. In summary, the available evidence is currently insufficient to determine the role of this variant in disease. Therefore, it has been classified as a Variant of Uncertain Significance.

NM_018136.5(ASPM):c.610G>A (p.Gly204Ser)

Gene: ASPM (assembly factor for spindle microtubules; minus strand). Cytogenetic location: 1q31.3.
Variant type: single nucleotide variant.
Coding change: c.610G>A on transcript NM_018136.5 (MANE Select); coding-DNA position 610, G replaced by A.
Protein change: p.Gly204Ser; replaces glycine 204 with serine.
Molecular consequence: missense variant.
Genome position (GRCh38, 1-based): chr1:197,143,642, C>T on the plus strand (G>A on the coding strand, the complement: ASPM is on the minus strand). VCF-style: chr1-197143642-C-T. GRCh37 (hg19) VCF-style: chr1-197112772-C-T.
Other names: c.610G>A, p.Gly204Ser (NM_001206846.2); c.610G>A (NM_018136.4); short protein forms G204S.
Identifiers: ClinVar variation 1928944 (VCV001928944.3), dbSNP rs752109968, ClinGen allele CA1310839.